The following is an entry in ClinVar:

ClinVar aggregate classification (germline): Uncertain significance (1 of 4 stars; one submission).

Allele frequency attached by ClinVar (database versions not stated): TOPMed below 0.00001; gnomAD 0.00001.

Submission:

Labcorp Genetics (formerly Invitae), Labcorp
Classification: Uncertain significance. Last evaluated: 2021-06-05. Review status: criteria provided, single submitter. Criteria: Invitae Variant Classification Sherloc (09022015). Collection method: clinical testing. Allele origin: germline.
Comment: This sequence change replaces glycine with aspartic acid at codon 1219 of the SBF1 protein (p.Gly1219Asp). The glycine residue is highly conserved and there is a moderate physicochemical difference between glycine and aspartic acid. This variant is not present in population databases (ExAC no frequency). This variant has not been reported in the literature in individuals with SBF1-related conditions. Algorithms developed to predict the effect of missense changes on protein structure and function are either unavailable or do not agree on the potential impact of this missense change (SIFT: "Tolerated"; PolyPhen-2: "Probably Damaging"; Align-GVGD: "Class C0"). In summary, the available evidence is currently insufficient to determine the role of this variant in disease. Therefore, it has been classified as a Variant of Uncertain Significance.

NM_002972.4(SBF1):c.3656G>A (p.Gly1219Asp)

Gene: SBF1 (SET binding factor 1; minus strand). Cytogenetic location: 22q13.33.
Variant type: single nucleotide variant.
Coding change: c.3656G>A on transcript NM_002972.4 (MANE Select); coding-DNA position 3656, G replaced by A.
Protein change: p.Gly1219Asp; replaces glycine 1219 with aspartic acid.
Molecular consequence: missense variant.
Genome position (GRCh38, 1-based): chr22:50,459,502, C>T on the plus strand (G>A on the coding strand, the complement: SBF1 is on the minus strand). VCF-style: chr22-50459502-C-T. GRCh37 (hg19) VCF-style: chr22-50897931-C-T.
Other names: c.3659G>A, p.Gly1220Asp (NM_001365819.1); short protein forms G1220D, G1219D.
Identifiers: ClinVar variation 1399278 (VCV001399278.8), dbSNP rs1164170194, ClinGen allele CA412203906.
Genomic context (GRCh38, chr22:50,459,502, plus strand): 5'-CAGGCACAGGGCAGGACGCAGGAGGTACCTGGAGAAGGTGCGTTCTGGGCCTTGAAGAGG[C>T]CGACGACACCTTTGCCATGCAGGCCTCCAGAGCGCAGCAGCACCGCCTTGGACCGCCCGC-3'
Protein context (NP_002963.2, residues 1209-1229): SGGLHGKGVV[Gly1219Asp]LFKAQNAPSP